The following is an entry in ClinVar:

NM_201384.3(PLEC):c.8778G>T (p.Glu2926Asp)

Gene: PLEC (plectin; minus strand). Cytogenetic location: 8q24.3.
Variant type: single nucleotide variant.
Coding change: c.8778G>T on transcript NM_201384.3 (MANE Select); coding-DNA position 8778, G replaced by T.
Protein change: p.Glu2926Asp; replaces glutamic acid 2926 with aspartic acid.
Molecular consequence: missense variant.
Genome position (GRCh38, 1-based): chr8:143,921,043, C>A on the plus strand (G>T on the coding strand, the complement: PLEC is on the minus strand). VCF-style: chr8-143921043-C-A. GRCh37 (hg19) VCF-style: chr8-144995211-C-A.
Other names: c.8859G>T, p.Glu2953Asp (NM_000445.5); c.5478G>T, p.Glu1826Asp (NM_001410941.1); c.8736G>T, p.Glu2912Asp (NM_201378.4); c.8712G>T, p.Glu2904Asp (NM_201379.3); c.9189G>T, p.Glu3063Asp (NM_201380.4); c.8682G>T, p.Glu2894Asp (NM_201381.3); c.8778G>T, p.Glu2926Asp (NM_201382.4); c.8790G>T, p.Glu2930Asp (NM_201383.3); short protein forms E1826D, E2894D, E2904D, E2912D, E2926D, E2930D, E2953D, E3063D.
Identifiers: ClinVar variation 3758072 (VCV003758072.2).

ClinVar aggregate classification (germline): Uncertain significance (1 of 4 stars; one submission).

Conditions:
Epidermolysis bullosa simplex with nail dystrophy (EBS5D). Identifiers: MedGen C4225309, MONDO:0014661, OMIM 616487.
Epidermolysis bullosa simplex, Ogna type (EBS5A). Also called: Pidermolysis bullosa simplex 5A, Ogna type; EPIDERMOLYSIS BULLOSA SIMPLEX 5A, OGNA TYPE. Identifiers: Orphanet 79401, MedGen C0432317, MONDO:0007555, OMIM 131950.
Autosomal recessive limb-girdle muscular dystrophy type 2Q (LGMDR17). Also called: MUSCULAR DYSTROPHY, LIMB-GIRDLE, AUTOSOMAL RECESSIVE 17. Identifiers: Orphanet 254361, MedGen C3150989, MONDO:0013390, OMIM 613723.
Epidermolysis bullosa simplex 5B, with muscular dystrophy (EBS5B). Also called: EPIDERMOLYSIS BULLOSA SIMPLEX AND LIMB-GIRDLE MUSCULAR DYSTROPHY; Epidermolysis bullosa simplex with muscular dystrophy. Identifiers: Orphanet 257, MedGen C2931072, MONDO:0009181, OMIM 226670.
Epidermolysis bullosa simplex 5C, with pyloric atresia (EBS5C). Also called: PLEC-Related Epidermolysis Bullosa with Pyloric Atresia; Epidermolysis bullosa simplex with pyloric atresia; PLEC1-Related Epidermolysis Bullosa with Pyloric Atresia. Identifiers: Orphanet 158684, MedGen C2677349, MONDO:0012807, OMIM 612138.

gnomAD v4.1: 7 of 1,612,564 alleles (0.00043%); highest among the groups gnomAD compares: African/African-American, 0.0093%; no homozygotes.

Submission:

Labcorp Genetics (formerly Invitae), Labcorp
Classification: Uncertain significance for Autosomal recessive limb-girdle muscular dystrophy type 2Q; Epidermolysis bullosa simplex, Ogna type; Epidermolysis bullosa simplex with nail dystrophy; Epidermolysis bullosa simplex 5C, with pyloric atresia; Epidermolysis bullosa simplex 5B, with muscular dystrophy. Last evaluated: 2026-01-25. Review status: criteria provided, single submitter. Criteria: Invitae Variant Classification Sherloc (09022015). Collection method: clinical testing. Allele origin: germline.
Comment: This sequence change replaces glutamic acid, which is acidic and polar, with aspartic acid, which is acidic and polar, at codon 2953 of the PLEC protein (p.Glu2953Asp). This variant is present in population databases (no rsID available, gnomAD 0.007%). This variant has not been reported in the literature in individuals affected with PLEC-related conditions. ClinVar contains an entry for this variant (Variation ID: 3758072). Invitae Evidence Modeling of protein sequence and biophysical properties (such as structural, functional, and spatial information, amino acid conservation, physicochemical variation, residue mobility, and thermodynamic stability) indicates that this missense variant is not expected to disrupt PLEC protein function with a negative predictive value of 80%. In summary, the available evidence is currently insufficient to determine the role of this variant in disease. Therefore, it has been classified as a Variant of Uncertain Significance.